The following is an entry in ClinVar:

ClinVar aggregate classification (germline): Pathogenic (1 of 4 stars; one submission).

Conditions:
Familial thoracic aortic aneurysm and aortic dissection (TAAD). Also called: Thoracic aortic aneurysms and dissections. Identifiers: Orphanet 91387, MedGen C4707243, MONDO:0019625.

Submission:

Ambry Genetics
Classification: Pathogenic for Familial thoracic aortic aneurysm and aortic dissection. Last evaluated: 2026-07-10. Review status: criteria provided, single submitter. Criteria: Ambry Variant Classification Scheme 2023. Collection method: clinical testing. Allele origin: germline.
Comment: The p.K1197* pathogenic mutation (also known as c.3589A>T), located in coding exon 17 of the MYLK gene, results from an A to T substitution at nucleotide position 3589. This changes the amino acid from a lysine to a stop codon within coding exon 17. This variant is considered to be rare based on population cohorts in the Genome Aggregation Database (gnomAD). This alteration is expected to result in loss of function by premature protein truncation or nonsense-mediated mRNA decay. As such, this alteration is interpreted as a disease-causing mutation.

NM_053025.4(MYLK):c.3589A>T (p.Lys1197Ter)

Gene: MYLK (myosin light chain kinase; minus strand). Cytogenetic location: 3q21.1.
Variant type: single nucleotide variant.
Coding change: c.3589A>T on transcript NM_053025.4 (MANE Select); coding-DNA position 3589, A replaced by T.
Protein change: p.Lys1197Ter; replaces lysine 1197 with a stop codon.
Molecular consequence: nonsense.
Genome position (GRCh38, 1-based): chr3:123,682,287, T>A on the plus strand (A>T on the coding strand, the complement: MYLK is on the minus strand). VCF-style: chr3-123682287-T-A. GRCh37 (hg19) VCF-style: chr3-123401134-T-A.
Other names: c.3589A>T, p.Lys1197Ter (NM_053027.4); c.3382A>T, p.Lys1128Ter (NM_053028.4, NM_053026.4); c.3061A>T, p.Lys1021Ter (NM_001321309.2); short protein forms K1021*, K1197*, K1128*.
Identifiers: ClinVar variation 5025200 (VCV005025200.1).